The following is an entry in ClinVar:

ClinVar aggregate classification (germline): Uncertain significance. Review status: criteria provided, multiple submitters, no conflicts (2 of 4 stars). 2 submissions from 2 submitters: Uncertain significance (2). Last evaluated 2023-11-30.

Conditions:
Singleton-Merten syndrome 1 (SGMRT1). Also called: Widened medullary cavities of bone, aortic calcification, abnormal dentition, and muscular weakness; Syndrome of widened medullary cavities of the metacarpals and phalanges, aortic calcification and abnormal dentition. Identifiers: Orphanet 85191, MedGen C4225427, MONDO:0024535, OMIM 182250.
Aicardi-Goutieres syndrome 7 (AGS7). Identifiers: Orphanet 51, MedGen C3888244, MONDO:0014367, OMIM 615846.

Allele frequency attached by ClinVar (database versions not stated): gnomAD exomes 0.00001.
gnomAD v4.1: 8 of 1,613,454 alleles (0.0005%); highest among the groups gnomAD compares: Non-Finnish European, 0.00068%; no homozygotes.

Submissions (2):

Blueprint Genetics
Classification: Uncertain significance. Last evaluated: 2023-11-30. Review status: criteria provided, single submitter. Criteria: ACMG Guidelines, 2015. Collection method: clinical testing. Allele origin: germline.

Labcorp Genetics (formerly Invitae), Labcorp
Classification: Uncertain significance for Aicardi-Goutieres syndrome 7; Singleton-Merten syndrome 1. Last evaluated: 2023-11-25. Review status: criteria provided, single submitter. Criteria: Invitae Variant Classification Sherloc (09022015). Collection method: clinical testing. Allele origin: germline.
Comment: This sequence change replaces isoleucine, which is neutral and non-polar, with leucine, which is neutral and non-polar, at codon 171 of the IFIH1 protein (p.Ile171Leu). This variant is present in population databases (no rsID available, gnomAD 0.0009%). This variant has not been reported in the literature in individuals affected with IFIH1-related conditions. Advanced modeling of protein sequence and biophysical properties (such as structural, functional, and spatial information, amino acid conservation, physicochemical variation, residue mobility, and thermodynamic stability) has been performed at Invitae for this missense variant, however the output from this modeling did not meet the statistical confidence thresholds required to predict the impact of this variant on IFIH1 protein function. In summary, the available evidence is currently insufficient to determine the role of this variant in disease. Therefore, it has been classified as a Variant of Uncertain Significance.

NM_022168.4(IFIH1):c.511A>C (p.Ile171Leu)

Gene: IFIH1 (interferon induced with helicase C domain 1; minus strand). Cytogenetic location: 2q24.2.
Variant type: single nucleotide variant.
Coding change: c.511A>C on transcript NM_022168.4 (MANE Select); coding-DNA position 511, A replaced by C.
Protein change: p.Ile171Leu; replaces isoleucine 171 with leucine.
Molecular consequence: missense variant.
Genome position (GRCh38, 1-based): chr2:162,310,876, T>G on the plus strand (A>C on the coding strand, the complement: IFIH1 is on the minus strand). VCF-style: chr2-162310876-T-G. GRCh37 (hg19) VCF-style: chr2-163167386-T-G.
Other names: short protein forms I171L.
Identifiers: ClinVar variation 2954182 (VCV002954182.4), dbSNP rs1212874609, ClinGen allele CA349011524.